The following is an entry in ClinVar:

NM_022464.5(SIL1):c.985G>A (p.Ala329Thr)

Gene: SIL1 (SIL1 nucleotide exchange factor; minus strand). Cytogenetic location: 5q31.2.
Variant type: single nucleotide variant.
Coding change: c.985G>A on transcript NM_022464.5 (MANE Select); coding-DNA position 985, G replaced by A.
Protein change: p.Ala329Thr; replaces alanine 329 with threonine.
Molecular consequence: missense variant.
Genome position (GRCh38, 1-based): chr5:138,951,215, C>T on the plus strand (G>A on the coding strand, the complement: SIL1 is on the minus strand). VCF-style: chr5-138951215-C-T. GRCh37 (hg19) VCF-style: chr5-138286904-C-T.
Other names: c.985G>A, p.Ala329Thr (NM_001037633.2); short protein forms A329T.
Identifiers: ClinVar variation 845699 (VCV000845699.9), dbSNP rs747120540, ClinGen allele CA3432427.

ClinVar aggregate classification (germline): Uncertain significance. Review status: criteria provided, multiple submitters, no conflicts (2 of 4 stars). 2 submissions from 2 submitters: Uncertain significance (2). Last evaluated 2022-11-01.

Conditions:
Marinesco-Sjögren syndrome (MSS). Also called: Marinesco-SjÃ¶gren syndrome; Marinesco-Sjogren Syndrome. Identifiers: Orphanet 559, MedGen C0024814, MONDO:0009567, OMIM 248800.

Allele frequency attached by ClinVar (database versions not stated): gnomAD 0.00003; gnomAD exomes 0.00003; ExAC 0.00005.
gnomAD v4.1: 47 of 1,608,946 alleles (0.0029%); highest among the groups gnomAD compares: Admixed American, 0.01%; no homozygotes.

Submissions (2):

Labcorp Genetics (formerly Invitae), Labcorp
Classification: Uncertain significance for Marinesco-Sjögren syndrome. Last evaluated: 2022-11-01. Review status: criteria provided, single submitter. Criteria: Invitae Variant Classification Sherloc (09022015). Collection method: clinical testing. Allele origin: germline.
Comment: This sequence change replaces alanine, which is neutral and non-polar, with threonine, which is neutral and polar, at codon 329 of the SIL1 protein (p.Ala329Thr). The frequency data for this variant in the population databases is considered unreliable, as metrics indicate poor data quality at this position in the gnomAD database. This variant has not been reported in the literature in individuals affected with SIL1-related conditions. ClinVar contains an entry for this variant (Variation ID: 845699). Advanced modeling of protein sequence and biophysical properties (such as structural, functional, and spatial information, amino acid conservation, physicochemical variation, residue mobility, and thermodynamic stability) performed at Invitae indicates that this missense variant is not expected to disrupt SIL1 protein function. In summary, the available evidence is currently insufficient to determine the role of this variant in disease. Therefore, it has been classified as a Variant of Uncertain Significance.

Revvity Omics, Revvity
Classification: Uncertain significance for Marinesco-Sjögren syndrome. Last evaluated: 2021-09-02. Review status: criteria provided, single submitter. Criteria: ACMG Guidelines, 2015. Collection method: clinical testing. Allele origin: germline.